The following is an entry in ClinVar:

ClinVar aggregate classification (germline): Uncertain significance (1 of 4 stars; one submission).

Submission:

GeneDx
Classification: Uncertain significance. Last evaluated: 2024-12-04. Review status: criteria provided, single submitter. Criteria: GeneDx Variant Classification Process June 2021. Collection method: clinical testing. Allele origin: germline. Affected: yes.
Comment: Not observed at significant frequency in large population cohorts (gnomAD); In silico analysis indicates that this missense variant does not alter protein structure/function; Has not been previously published as pathogenic or benign to our knowledge

NM_032217.5(ANKRD17):c.2844G>A (p.Met948Ile)

Gene: ANKRD17 (ankyrin repeat domain 17; minus strand). Cytogenetic location: 4q13.3.
Variant type: single nucleotide variant.
Coding change: c.2844G>A on transcript NM_032217.5 (MANE Select); coding-DNA position 2844, G replaced by A.
Protein change: p.Met948Ile; replaces methionine 948 with isoleucine.
Molecular consequence: missense variant. On other transcripts: intron variant (1).
Genome position (GRCh38, 1-based): chr4:73,139,772, C>T on the plus strand (G>A on the coding strand, the complement: ANKRD17 is on the minus strand). VCF-style: chr4-73139772-C-T. GRCh37 (hg19) VCF-style: chr4-74005489-C-T.
Other names: c.2505G>A, p.Met835Ile (NM_001286771.3); c.2844G>A, p.Met948Ile (NM_015574.2); c.2332+1969G>A (NM_198889.3); short protein forms M835I, M948I.
Identifiers: ClinVar variation 3901378 (VCV003901378.1).
Genomic context (GRCh38, chr4:73,139,772, plus strand): 5'-GGGACCTGCCGCCAGAGGCAAAGCTTGAGGCATCGCCAGAGGCTGGATTGGCGCAAAACC[C>T]ATCTGAGCAGCAGTCTGCTGGGGTTCATCTTTAAGTAAAACAGGATCCACTTGCTGTAAC-3'
Protein context (NP_115593.3, residues 938-958): KDEPQQTAAQ[Met948Ile]GFAPIQPLAM